The following is an entry in ClinVar:

ClinVar aggregate classification (germline): Uncertain significance. Review status: criteria provided, multiple submitters, no conflicts (2 of 4 stars). 3 submissions from 3 submitters: Uncertain significance (3). Last evaluated 2025-07-02.

Conditions:
Exudative vitreoretinopathy 4 (EVR4). Identifiers: Orphanet 891, MedGen C1866176, MONDO:0011151, OMIM 601813.
Bone mineral density quantitative trait locus 1 (BMND1). Identifiers: MedGen C1866079, OMIM 601884.
Worth disease. Also called: ENDOSTEAL HYPEROSTOSIS, AUTOSOMAL DOMINANT; OSTEOSCLEROSIS, AUTOSOMAL DOMINANT; Autosomal dominant osteosclerosis, Worth type. Identifiers: Orphanet 2790, MedGen C0432273, MONDO:0007764, OMIM 144750.
Exudative vitreoretinopathy 1 (EVR1). Also called: CRISWICK-SCHEPENS SYNDROME; FEVR, AUTOSOMAL DOMINANT; Familial exudative vitreoretinopathy, autosomal dominant. Identifiers: Orphanet 891, Orphanet 90050, MedGen C1851402, MONDO:0007589, OMIM 133780.
Osteoporosis with pseudoglioma (OPPG). Also called: osteoporosis-pseudoglioma syndrome. Identifiers: Orphanet 2788, MedGen C0432252, MONDO:0009820, OMIM 259770.
Polycystic liver disease 4 with or without kidney cysts. Identifiers: MedGen C4693479, MONDO:0044327, OMIM 617875.
Osteoporosis. Identifiers: MedGen C0029456, MONDO:0005298, OMIM 166710, HP:0000939.
Autosomal dominant osteopetrosis 1 (OPTA1). Also called: OSTEOPETROSIS, AUTOSOMAL DOMINANT, TYPE I. Identifiers: Orphanet 2783, MedGen C1843330, MONDO:0011877, OMIM 607634.

gnomAD v4.1: 13 of 1,613,630 alleles (0.00081%); highest among the groups gnomAD compares: Non-Finnish European, 0.0011%; no homozygotes.

Submissions (3):

Labcorp Genetics (formerly Invitae), Labcorp
Classification: Uncertain significance. Last evaluated: 2025-07-02. Review status: criteria provided, single submitter. Criteria: Invitae Variant Classification Sherloc (09022015). Collection method: clinical testing. Allele origin: germline.
Comment: This sequence change replaces valine, which is neutral and non-polar, with leucine, which is neutral and non-polar, at codon 1433 of the LRP5 protein (p.Val1433Leu). The frequency data for this variant in the population databases is considered unreliable, as metrics indicate poor data quality at this position in the gnomAD database. This variant has not been reported in the literature in individuals affected with LRP5-related conditions. ClinVar contains an entry for this variant (Variation ID: 1331540). Invitae Evidence Modeling of protein sequence and biophysical properties (such as structural, functional, and spatial information, amino acid conservation, physicochemical variation, residue mobility, and thermodynamic stability) indicates that this missense variant is not expected to disrupt LRP5 protein function with a negative predictive value of 95%. In summary, the available evidence is currently insufficient to determine the role of this variant in disease. Therefore, it has been classified as a Variant of Uncertain Significance.

Fulgent Genetics
Classification: Uncertain significance for Exudative vitreoretinopathy 1; Worth disease; Osteoporosis; Osteoporosis with pseudoglioma; Exudative vitreoretinopathy 4; Bone mineral density quantitative trait locus 1; Autosomal dominant osteopetrosis 1; Polycystic liver disease 4 with or without kidney cysts. Last evaluated: 2022-05-22. Review status: criteria provided, single submitter. Criteria: ACMG Guidelines, 2015. Collection method: clinical testing. Allele origin: unknown.

Greenwood Genetic Center Diagnostic Laboratories, Greenwood Genetic Center
Classification: Uncertain significance. Last evaluated: 2020-11-03. Review status: criteria provided, single submitter. Criteria: ACMG Guidelines, 2015. Collection method: clinical testing. Allele origin: germline. Affected: yes.
Comment: PM2

NM_002335.4(LRP5):c.4297G>T (p.Val1433Leu)

Gene: LRP5 (LDL receptor related protein 5; plus strand). Cytogenetic location: 11q13.2.
Variant type: single nucleotide variant.
Coding change: c.4297G>T on transcript NM_002335.4 (MANE Select); coding-DNA position 4297, G replaced by T.
Protein change: p.Val1433Leu; replaces valine 1433 with leucine.
Molecular consequence: missense variant.
Genome position (GRCh38, 1-based): chr11:68,438,631, G>T. VCF-style: chr11-68438631-G-T. GRCh37 (hg19) VCF-style: chr11-68206099-G-T.
Other names: c.2554G>T, p.Val852Leu (NM_001291902.2); short protein forms V1433L, V852L.
Identifiers: ClinVar variation 1331540 (VCV001331540.6), dbSNP rs199871539, ClinGen allele CA224254783.
Genomic context (GRCh38, chr11:68,438,631, plus strand): 5'-CAGCGCTATGCGGGGGCCAACGGGCCCTTCCCGCACGAGTATGTCAGCGGGACCCCGCAC[G>T]TGCCCCTCAATTTCATAGCCCCGGGCGGTTCCCAGCATGGCCCCTTCACAGGTAAGGAGC-3'
Protein context (NP_002326.2, residues 1423-1443): PHEYVSGTPH[Val1433Leu]PLNFIAPGGS